The following is an entry in ClinVar:

ClinVar aggregate classification (germline): Pathogenic (1 of 4 stars; one submission).

Conditions:
Familial intrahepatic cholestasis. Identifiers: Orphanet 284385, MedGen CN296401, MONDO:0017290.

Submission:

Genomenon, Inc
Classification: Pathogenic for Familial intrahepatic cholestasis. Last evaluated: 2026-04-14. Review status: criteria provided, single submitter. Criteria: Genomenon Sequence Variant Interpretation Standards - Updated. Collection method: curation. Allele origin: germline. Affected: yes.
Comment: ABCB11 c.3213+1G>T is a canonical splice variant affecting the donor splice site of intron 24. It is predicted to affect mRNA splicing, leading to a deleterious effect on the ABCB11 protein. This variant has been observed in at least one proband with an ABCB11-related disorder (PMID:27050426). It is absent or not present at a significant frequency in gnomAD. In conclusion, we classify ABCB11 c.3213+1G>T as a pathogenic variant.

Literature cited by the submitters: PubMed 27050426.

NM_003742.4(ABCB11):c.3213+1G>T

Gene: ABCB11 (ATP binding cassette subfamily B member 11; minus strand). Cytogenetic location: 2q31.1.
Variant type: single nucleotide variant.
Coding change: c.3213+1G>T on transcript NM_003742.4 (MANE Select); the canonical splice donor site of the intron after coding-DNA position 3213, G replaced by T.
Molecular consequence: splice donor variant.
Genome position (GRCh38, 1-based): chr2:168,932,376, C>A on the plus strand (G>T on the coding strand, the complement: ABCB11 is on the minus strand). VCF-style: chr2-168932376-C-A. GRCh37 (hg19) VCF-style: chr2-169788886-C-A.
Identifiers: ClinVar variation 4846708 (VCV004846708.1).
Genomic context (GRCh38, chr2:168,932,376, plus strand): 5'-TGTCCCTGCAAAGGACATGAACTCATCCTTTTTTATGGCTGCATAGTATTCCAACACTTA[C>A]CCATTTTTCACCTGCAGTATTGTATACACTGATTGGGGGTTGTCGGTCCAGCAGTTGAAA-3'